The following is an entry in ClinVar:

ClinVar aggregate classification (germline): Uncertain significance. Review status: criteria provided, multiple submitters, no conflicts (2 of 4 stars). 2 submissions from 2 submitters: Uncertain significance (2). Last evaluated 2025-03-20.

Conditions:
Inborn genetic diseases. Identifiers: MedGen C0950123, MeSH D030342.

Allele frequency attached by ClinVar (database versions not stated): gnomAD 0.00001; TOPMed 0.00001; ExAC 0.00002; gnomAD exomes 0.00002.
gnomAD v4.1: 24 of 1,614,102 alleles (0.0015%); highest among the groups gnomAD compares: South Asian, 0.023%; no homozygotes.

Submissions (2):

Ambry Genetics
Classification: Uncertain significance for Inborn genetic diseases. Last evaluated: 2025-03-20. Review status: criteria provided, single submitter. Criteria: Ambry Variant Classification Scheme 2023. Collection method: clinical testing. Allele origin: germline.

Labcorp Genetics (formerly Invitae), Labcorp
Classification: Uncertain significance. Last evaluated: 2024-08-15. Review status: criteria provided, single submitter. Criteria: Invitae Variant Classification Sherloc (09022015). Collection method: clinical testing. Allele origin: germline.
Comment: This sequence change replaces alanine, which is neutral and non-polar, with serine, which is neutral and polar, at codon 1203 of the MYO6 protein (p.Ala1203Ser). This variant is present in population databases (rs764047739, gnomAD 0.02%). This variant has not been reported in the literature in individuals affected with MYO6-related conditions. Invitae Evidence Modeling of protein sequence and biophysical properties (such as structural, functional, and spatial information, amino acid conservation, physicochemical variation, residue mobility, and thermodynamic stability) indicates that this missense variant is not expected to disrupt MYO6 protein function with a negative predictive value of 80%. In summary, the available evidence is currently insufficient to determine the role of this variant in disease. Therefore, it has been classified as a Variant of Uncertain Significance.

NM_004999.4(MYO6):c.3607G>T (p.Ala1203Ser)

Gene: MYO6 (myosin VI; plus strand). Cytogenetic location: 6q14.1.
Variant type: single nucleotide variant.
Coding change: c.3607G>T on transcript NM_004999.4 (MANE Select); coding-DNA position 3607, G replaced by T.
Protein change: p.Ala1203Ser; replaces alanine 1203 with serine.
Molecular consequence: missense variant. On other transcripts: non-coding transcript variant (1).
Genome position (GRCh38, 1-based): chr6:75,914,230, G>T. VCF-style: chr6-75914230-G-T. GRCh37 (hg19) VCF-style: chr6-76623947-G-T.
Other names: c.3634G>T, p.Ala1212Ser (NM_001368865.1); c.3607G>T, p.Ala1203Ser (NM_001368866.1); c.3607G>T (NM_004999.3); c.3538G>T, p.Ala1180Ser (NM_001300899.2); c.3511G>T, p.Ala1171Ser (NM_001368136.1); c.3568G>T, p.Ala1190Ser (NM_001368137.1); c.3523G>T, p.Ala1175Ser (NM_001368138.1); short protein forms A1171S, A1190S, A1180S, A1175S, A1212S, A1203S.
Identifiers: ClinVar variation 2722509 (VCV002722509.4), dbSNP rs764047739, ClinGen allele CA3897768.